The following is an entry in ClinVar:

NM_001372043.1(PCSK5):c.5270G>A (p.Arg1757Gln)

Gene: PCSK5 (proprotein convertase subtilisin/kexin type 5; plus strand). Cytogenetic location: 9q21.13.
Variant type: single nucleotide variant.
Coding change: c.5270G>A on transcript NM_001372043.1 (MANE Select); coding-DNA position 5270, G replaced by A.
Protein change: p.Arg1757Gln; replaces arginine 1757 with glutamine.
Molecular consequence: missense variant.
Genome position (GRCh38, 1-based): chr9:76,358,528, G>A. VCF-style: chr9-76358528-G-A. GRCh37 (hg19) VCF-style: chr9-78973444-G-A.
Other names: c.5189G>A, p.Arg1730Gln (NM_001190482.2); short protein forms R1730Q, R1757Q.
Identifiers: ClinVar variation 3057139 (VCV003057139.2), dbSNP rs141281372, ClinGen allele CA5088161.

ClinVar aggregate classification (germline): Likely benign (0 of 4 stars; one submission).

Conditions:
PCSK5-related disorder. Also called: PCSK5-related condition.

Allele frequency attached by ClinVar (database versions not stated): gnomAD exomes 0.00018; ExAC 0.00047; 1000 Genomes Project 0.00140; gnomAD 0.00140; 1000 Genomes Project 30x 0.00156; TOPMed 0.00159; ESP Exome Variant Server 0.00174.
gnomAD v4.1: 496 of 1,609,526 alleles (0.031%); highest among the groups gnomAD compares: African/African-American, 0.46%; 2 homozygotes.

Submission:

PreventionGenetics, part of Exact Sciences
Classification: Likely benign for PCSK5-related condition. Last evaluated: 2020-06-19. Review status: no assertion criteria provided. Collection method: clinical testing. Allele origin: germline.
Comment: This variant is classified as likely benign based on ACMG/AMP sequence variant interpretation guidelines (Richards et al. 2015 PMID: 25741868, with internal and published modifications).